The following is an entry in ClinVar:

ClinVar aggregate classification (germline): Likely benign. Review status: criteria provided, single submitter (1 of 4 stars). 2 submissions from 2 submitters: Likely benign (1). 1 of the submissions does not count toward it. Last evaluated 2026-02-01.

Conditions:
DSCAM-related disorder. Also called: DSCAM-related condition.

Allele frequency attached by ClinVar (database versions not stated): gnomAD exomes 0.00022; ExAC 0.00070; 1000 Genomes Project 0.00140; 1000 Genomes Project 30x 0.00172; gnomAD 0.00231; ESP Exome Variant Server 0.00265; TOPMed 0.00305.
gnomAD v4.1: 696 of 1,607,586 alleles (0.043%); highest among the groups gnomAD compares: African/African-American, 0.8%; 3 homozygotes.

Submissions (2):

CeGaT Center for Human Genetics Tuebingen
Classification: Likely benign. Last evaluated: 2026-02-01. Review status: criteria provided, single submitter. Criteria: CeGaT Center For Human Genetics Tuebingen Variant Classification Criteria Version 2. Collection method: clinical testing. Allele origin: germline. Affected: yes. Observed: 2 variant alleles.
Comment: DSCAM: BP4, BP7

PreventionGenetics, part of Exact Sciences
Classification: Benign for DSCAM-related condition. Last evaluated: 2022-01-31. Review status: no assertion criteria provided. Collection method: clinical testing. Allele origin: germline. Not counted in ClinVar's aggregate classification.
Comment: This variant is classified as benign based on ACMG/AMP sequence variant interpretation guidelines (Richards et al. 2015 PMID: 25741868, with internal and published modifications).

NM_001389.5(DSCAM):c.651A>G (p.Val217=)

Gene: DSCAM (DS cell adhesion molecule; minus strand). Cytogenetic location: 21q22.2.
Variant type: single nucleotide variant.
Coding change: c.651A>G on transcript NM_001389.5 (MANE Select); coding-DNA position 651, A replaced by G.
Protein change: p.Val217=; no amino-acid change (valine 217 retained).
Molecular consequence: synonymous variant. On other transcripts: non-coding transcript variant (1).
Genome position (GRCh38, 1-based): chr21:40,369,103, T>C on the plus strand (A>G on the coding strand, the complement: DSCAM is on the minus strand). VCF-style: chr21-40369103-T-C. GRCh37 (hg19) VCF-style: chr21-41741030-T-C.
Other names: c.651A>G, p.Val217= (NM_001271534.3, NM_206887.1); c.651A>G (NM_001389.3).
Identifiers: ClinVar variation 2652677 (VCV002652677.25), dbSNP rs140456390, ClinGen allele CA10031699.